The following is an entry in ClinVar:

NM_003227.4(TFR2):c.1106+7G>T

Gene: TFR2 (transferrin receptor 2; minus strand). Cytogenetic location: 7q22.1.
Variant type: single nucleotide variant.
Coding change: c.1106+7G>T on transcript NM_003227.4 (MANE Select); 7 bases into the intron after coding-DNA position 1106, G replaced by T.
Molecular consequence: intron variant.
Genome position (GRCh38, 1-based): chr7:100,631,799, C>A on the plus strand (G>T on the coding strand, the complement: TFR2 is on the minus strand). VCF-style: chr7-100631799-C-A. GRCh37 (hg19) VCF-style: chr7-100229422-C-A.
Other names: c.593+7G>T (NM_001206855.3).
Identifiers: ClinVar variation 1463891 (VCV001463891.6), dbSNP rs1207873255, ClinGen allele CA2573141350.

ClinVar aggregate classification (germline): Uncertain significance (1 of 4 stars; one submission).

Conditions:
Hereditary hemochromatosis (HFE). Identifiers: MedGen C0392514, MONDO:0006507. Disease mechanism: loss of function.

Submission:

Labcorp Genetics (formerly Invitae), Labcorp
Classification: Uncertain significance for Hereditary hemochromatosis. Last evaluated: 2021-11-19. Review status: criteria provided, single submitter. Criteria: Invitae Variant Classification Sherloc (09022015). Collection method: clinical testing. Allele origin: germline.
Comment: In summary, the available evidence is currently insufficient to determine the role of this variant in disease. Therefore, it has been classified as a Variant of Uncertain Significance. Algorithms developed to predict the effect of sequence changes on RNA splicing suggest that this variant may create or strengthen a splice site. This variant has not been reported in the literature in individuals affected with TFR2-related conditions. This variant is not present in population databases (gnomAD no frequency). This sequence change falls in intron 8 of the TFR2 gene. It does not directly change the encoded amino acid sequence of the TFR2 protein.